The following is an entry in ClinVar:

NM_016228.4(AADAT):c.126_131del (p.41PN[1])

Gene: AADAT (aminoadipate aminotransferase; minus strand). Cytogenetic location: 4q33.
Variant type: Deletion.
Coding change: c.126_131del on transcript NM_016228.4 (MANE Select); coding-DNA positions 126 to 131, 6 bases deleted (TCCAAA; older notation c.126_131delTCCAAA).
Protein change: p.41PN[1].
Molecular consequence: inframe deletion.
Genome position (GRCh38, 1-based): chr4:170,088,501-170,088,506, TTTGGA deleted on the plus strand (TCCAAA on the coding strand, the reverse complement: AADAT is on the minus strand); deleting any 6 consecutive bases within chr4:170,088,501-170,088,511 gives the same sequence; the c. name uses the placement nearest the transcript's 3' end. VCF-style (leftmost placement, unchanged base first): chr4-170088500-GTTTGGA-G. GRCh37 (hg19) VCF-style: chr4-171009651-GTTTGGA-G.
Other names: c.138_143del, p.45PN[1] (NM_001286682.2); c.126_131del, p.41PN[1] (NM_001286683.1, NM_182662.2).
Identifiers: ClinVar variation 4851755 (VCV004851755.1).

ClinVar aggregate classification (germline): Uncertain significance (1 of 4 stars; one submission).

Submission:

Greenwood Genetic Center Diagnostic Laboratories, Greenwood Genetic Center
Classification: Uncertain significance. Last evaluated: 2025-01-21. Review status: criteria provided, single submitter. Criteria: ACMG Guidelines, 2015. Collection method: clinical testing. Allele origin: germline.
Comment: Gene of Uncertain Significance